The following is an entry in ClinVar:

ClinVar aggregate classification (germline): Uncertain significance. Review status: criteria provided, multiple submitters, no conflicts (2 of 4 stars). 2 submissions from 2 submitters: Uncertain significance (2). Last evaluated 2025-06-12.

Conditions:
Hereditary cancer-predisposing syndrome. Also called: Tumor predisposition; Hereditary Cancer Syndrome; Neoplastic Syndromes, Hereditary; Hereditary neoplastic syndrome. Identifiers: Orphanet 140162, MedGen C0027672, MeSH D009386, MONDO:0015356.
Hereditary breast ovarian cancer syndrome. Also called: Hereditary breast and ovarian cancer syndrome; Hereditary breast and ovarian cancer; Breast and ovarian cancer; Hereditary breast and/or ovarian cancer syndrome; Hereditary breast and ovarian cancer syndrome (HBOC); BRCA1- and BRCA2-Associated Hereditary Breast and Ovarian Cancer. Identifiers: Orphanet 145, MedGen C0677776, MeSH D061325, MONDO:0003582. Disease mechanism: loss of function.

Submissions (2):

Color Diagnostics, LLC DBA Color Health
Classification: Uncertain significance for Hereditary cancer-predisposing syndrome. Last evaluated: 2025-06-12. Review status: criteria provided, single submitter. Criteria: ACMG Guidelines, 2015. Collection method: clinical testing. Allele origin: germline.
Comment: This missense variant replaces lysine with arginine at codon 331 of the BRCA2 protein. Computational prediction suggests that this variant may not impact protein structure and function. To our knowledge, functional studies have not been reported for this variant. This variant has not been reported in individuals affected with BRCA2-related disorders in the literature and it has been reported in a healthy individual (PMID: 38566028). This variant has not been identified in the general population by the Genome Aggregation Database (gnomAD). The available evidence is insufficient to determine the role of this variant in disease conclusively. Therefore, this variant is classified as a Variant of Uncertain Significance.

Labcorp Genetics (formerly Invitae), Labcorp
Classification: Uncertain significance for Hereditary breast ovarian cancer syndrome. Last evaluated: 2025-04-01. Review status: criteria provided, single submitter. Criteria: Invitae Variant Classification Sherloc (09022015). Collection method: clinical testing. Allele origin: germline.
Comment: This sequence change replaces lysine, which is basic and polar, with arginine, which is basic and polar, at codon 331 of the BRCA2 protein (p.Lys331Arg). This variant is not present in population databases (gnomAD no frequency). This variant has not been reported in the literature in individuals affected with BRCA2-related conditions. Invitae Evidence Modeling of protein sequence and biophysical properties (such as structural, functional, and spatial information, amino acid conservation, physicochemical variation, residue mobility, and thermodynamic stability) indicates that this missense variant is not expected to disrupt BRCA2 protein function with a negative predictive value of 95%. In summary, the available evidence is currently insufficient to determine the role of this variant in disease. Therefore, it has been classified as a Variant of Uncertain Significance.

Literature cited by the submitters: PubMed 38566028 (cited by Color Diagnostics, LLC DBA Color Health).

NM_000059.4(BRCA2):c.992A>G (p.Lys331Arg)

Gene: BRCA2 (BRCA2 DNA repair associated; plus strand). Cytogenetic location: 13q13.1.
Variant type: single nucleotide variant.
Coding change: c.992A>G on transcript NM_000059.4 (MANE Select); coding-DNA position 992, A replaced by G.
Protein change: p.Lys331Arg; replaces lysine 331 with arginine.
Molecular consequence: missense variant. On other transcripts: non-coding transcript variant (1), intron variant (1).
Genome position (GRCh38, 1-based): chr13:32,332,470, A>G. VCF-style: chr13-32332470-A-G. GRCh37 (hg19) VCF-style: chr13-32906607-A-G.
Other names: c.992A>G, p.Lys331Arg (NM_001406719.1, NM_001406720.1, NM_001406721.1 and 1 more transcripts); c.424+1440A>G (NM_001406722.1); short protein forms K331R.
Identifiers: ClinVar variation 4756883 (VCV004756883.2).